The following is an entry in ClinVar:

ClinVar aggregate classification (germline): Likely pathogenic (1 of 4 stars; one submission).

Conditions:
Autosomal recessive ataxia due to ubiquinone deficiency. Also called: SPINOCEREBELLAR ATAXIA, AUTOSOMAL RECESSIVE 9; Coenzyme Q10 deficiency, primary, 4. Identifiers: Orphanet 139485, MedGen C2677589, MONDO:0012784, OMIM 612016.

gnomAD v4.1: 7 of 1,613,758 alleles (0.00043%); highest among the groups gnomAD compares: South Asian, 0.0011%; no homozygotes.

Submission:

Juno Genomics, Hangzhou Juno Genomics, Inc
Classification: Likely pathogenic for Autosomal recessive ataxia due to ubiquinone deficiency. Review status: criteria provided, single submitter. Criteria: ACMG Guidelines, 2015. Collection method: clinical testing. Allele origin: germline. Affected: yes.
Comment: Absent from controls (or at extremely low frequency if recessive) in Genome Aggregation Database, Exome Sequencing Project, 1000 Genomes Project, or Exome Aggregation Consortium.;Null variant in a gene where loss of function (LOF) is a known mechanism of disease.

NM_020247.5(COQ8A):c.1081-2A>G

Gene: COQ8A (coenzyme Q8A; plus strand). Cytogenetic location: 1q42.13.
Variant type: single nucleotide variant.
Coding change: c.1081-2A>G on transcript NM_020247.5 (MANE Select); the canonical splice acceptor site of the intron before coding-DNA position 1081, A replaced by G.
Molecular consequence: splice acceptor variant.
Genome position (GRCh38, 1-based): chr1:226,983,550, A>G. VCF-style: chr1-226983550-A-G. GRCh37 (hg19) VCF-style: chr1-227171251-A-G.
Identifiers: ClinVar variation 3382514 (VCV003382514.2).